The following is an entry in ClinVar:

GRCh38/hg38 Xq11.1-11.2(chrX:63514988-64270642)x3

Genes: AMER1 (APC membrane recruitment protein 1; minus strand), ARHGEF9 (Cdc42 guanine nucleotide exchange factor 9; minus strand), ARHGEF9-IT1 (ARHGEF9 intronic transcript 1; minus strand), ASB12 (ankyrin repeat and SOCS box containing 12; minus strand), LINC01278 (long intergenic non-protein coding RNA 1278; minus strand) and 8 more. Cytogenetic location: Xq11.1-11.2.
Variant type: copy number gain.
Change: copy number 3 of chrX:63,514,988-64,270,642 (755.7 kb, GRCh38 coordinates, 1-based), cytogenetic band Xq11.1-11.2.
Identifiers: ClinVar variation 57007 (VCV000057007.1).

ClinVar aggregate classification (germline): Uncertain significance (1 of 4 stars; one submission).

Submission:

ISCA site 4
Classification: Uncertain significance. Last evaluated: 2011-08-12. Review status: criteria provided, single submitter. Criteria: Kaminsky et al. (Genet Med. 2011). Collection method: clinical testing. Allele origin: de novo. Affected: yes. Observed: 1 variant allele.
Comment: Copy number variation identified through the course of routine clinical cytogenomic testing in postnatal populations. Clinical assertions have been curated as described in Kaminsky et al. 2011.